The following is an entry in ClinVar:

NM_001394062.1(MACF1):c.22302C>T (p.Ser7434=)

Gene: MACF1 (microtubule actin crosslinking factor 1; plus strand). Cytogenetic location: 1p34.3.
Variant type: single nucleotide variant.
Coding change: c.22302C>T on transcript NM_001394062.1 (MANE Select); coding-DNA position 22302, C replaced by T.
Protein change: p.Ser7434=; no amino-acid change (serine 7434 retained).
Molecular consequence: synonymous variant.
Genome position (GRCh38, 1-based): chr1:39,484,621, C>T. VCF-style: chr1-39484621-C-T. GRCh37 (hg19) VCF-style: chr1-39950293-C-T.
Other names: c.10182C>T, p.Ser3394= (NM_001397473.1); c.15927C>T, p.Ser5309= (NM_012090.5).
Identifiers: ClinVar variation 3031893 (VCV003031893.3), dbSNP rs140592136, ClinGen allele CA784860.

ClinVar aggregate classification (germline): Benign. Review status: criteria provided, single submitter (1 of 4 stars). 2 submissions from 2 submitters: Benign (1). 1 of the submissions does not count toward it. Last evaluated 2025-06-15.

Conditions:
MACF1-related disorder. Also called: MACF1-related condition.

Allele frequency attached by ClinVar (database versions not stated): gnomAD 0.00038; 1000 Genomes Project 0.00040; TOPMed 0.00043; ESP Exome Variant Server 0.00046; 1000 Genomes Project 30x 0.00047.
gnomAD v4.1: 96 of 1,613,646 alleles (0.0059%); highest among the groups gnomAD compares: African/African-American, 0.12%; no homozygotes.

Submissions (2):

Labcorp Genetics (formerly Invitae), Labcorp
Classification: Benign. Last evaluated: 2025-06-15. Review status: criteria provided, single submitter. Criteria: Invitae Variant Classification Sherloc (09022015). Collection method: clinical testing. Allele origin: germline.

PreventionGenetics, part of Exact Sciences
Classification: Likely benign for MACF1-related condition. Last evaluated: 2023-08-16. Review status: no assertion criteria provided. Collection method: clinical testing. Allele origin: germline. Not counted in ClinVar's aggregate classification.
Comment: This variant is classified as likely benign based on ACMG/AMP sequence variant interpretation guidelines (Richards et al. 2015 PMID: 25741868, with internal and published modifications).